The following is an entry in ClinVar:

NM_024490.4(ATP10A):c.1058C>A (p.Ser353Tyr)

Gene: ATP10A (ATPase phospholipid transporting 10A (putative); minus strand). Cytogenetic location: 15q12.
Variant type: single nucleotide variant.
Coding change: c.1058C>A on transcript NM_024490.4 (MANE Select); coding-DNA position 1058, C replaced by A.
Protein change: p.Ser353Tyr; replaces serine 353 with tyrosine.
Molecular consequence: missense variant.
Genome position (GRCh38, 1-based): chr15:25,723,943, G>T on the plus strand (C>A on the coding strand, the complement: ATP10A is on the minus strand). VCF-style: chr15-25723943-G-T. GRCh37 (hg19) VCF-style: chr15-25969090-G-T.
Other names: short protein forms S353Y.
Identifiers: ClinVar variation 3055786 (VCV003055786.2), dbSNP rs17116056, ClinGen allele CA7436934.

ClinVar aggregate classification (germline): Benign (0 of 4 stars; one submission).

Conditions:
ATP10A-related disorder. Also called: ATP10A-related condition.

Allele frequency attached by ClinVar (database versions not stated): ExAC 0.06202; 1000 Genomes Project 0.08427; 1000 Genomes Project 30x 0.08854; gnomAD 0.09996; TOPMed 0.10061; ESP Exome Variant Server 0.11410.
gnomAD v4.1: 95,715 of 1,610,244 alleles (5.9%); highest among the groups gnomAD compares: African/African-American, 23%; 4,327 homozygotes.

Submission:

PreventionGenetics, part of Exact Sciences
Classification: Benign for ATP10A-related condition. Last evaluated: 2019-10-29. Review status: no assertion criteria provided. Collection method: clinical testing. Allele origin: germline.
Comment: This variant is classified as benign based on ACMG/AMP sequence variant interpretation guidelines (Richards et al. 2015 PMID: 25741868, with internal and published modifications).